The following is an entry in ClinVar:

NM_000194.3(HPRT1):c.35A>G (p.Asp12Gly)

Gene: HPRT1 (hypoxanthine phosphoribosyltransferase 1; plus strand). Cytogenetic location: Xq26.2.
Variant type: single nucleotide variant.
Coding change: c.35A>G on transcript NM_000194.3 (MANE Select); coding-DNA position 35, A replaced by G.
Protein change: p.Asp12Gly; replaces aspartic acid 12 with glycine.
Molecular consequence: missense variant.
Genome position (GRCh38, 1-based): chrX:134,473,366, A>G. VCF-style: chrX-134473366-A-G. GRCh37 (hg19) VCF-style: chrX-133607396-A-G.
Other names: short protein forms D12G.
Identifiers: ClinVar variation 3769677 (VCV003769677.1).

ClinVar aggregate classification (germline): Uncertain significance (1 of 4 stars; one submission).

Submission:

GeneDx
Classification: Uncertain significance. Last evaluated: 2024-09-12. Review status: criteria provided, single submitter. Criteria: GeneDx Variant Classification Process June 2021. Collection method: clinical testing. Allele origin: germline. Affected: yes.
Comment: Not observed at significant frequency in large population cohorts (gnomAD); In silico analysis supports that this missense variant has a deleterious effect on protein structure/function; Has not been previously published as pathogenic or benign to our knowledge